The following is an entry in ClinVar:

ClinVar aggregate classification (germline): Uncertain significance (1 of 4 stars; one submission).

gnomAD v4.1: 3 of 1,613,360 alleles (0.00019%); highest among the groups gnomAD compares: African/African-American, 0.004%; no homozygotes.

Submission:

Labcorp Genetics (formerly Invitae), Labcorp
Classification: Uncertain significance. Last evaluated: 2025-07-30. Review status: criteria provided, single submitter. Criteria: Invitae Variant Classification Sherloc (09022015). Collection method: clinical testing. Allele origin: germline.
Comment: This sequence change replaces threonine, which is neutral and polar, with isoleucine, which is neutral and non-polar, at codon 529 of the ADCY1 protein (p.Thr529Ile). This variant is present in population databases (no rsID available, gnomAD 0.007%). This variant has not been reported in the literature in individuals affected with ADCY1-related conditions. Invitae Evidence Modeling of protein sequence and biophysical properties (such as structural, functional, and spatial information, amino acid conservation, physicochemical variation, residue mobility, and thermodynamic stability) indicates that this missense variant is expected to disrupt ADCY1 protein function with a positive predictive value of 80%. In summary, the available evidence is currently insufficient to determine the role of this variant in disease. Therefore, it has been classified as a Variant of Uncertain Significance.

NM_021116.4(ADCY1):c.1586C>T (p.Thr529Ile)

Gene: ADCY1 (adenylate cyclase 1; plus strand). Cytogenetic location: 7p12.3.
Variant type: single nucleotide variant.
Coding change: c.1586C>T on transcript NM_021116.4 (MANE Select); coding-DNA position 1586, C replaced by T.
Protein change: p.Thr529Ile; replaces threonine 529 with isoleucine.
Molecular consequence: missense variant.
Genome position (GRCh38, 1-based): chr7:45,662,195, C>T. VCF-style: chr7-45662195-C-T. GRCh37 (hg19) VCF-style: chr7-45701794-C-T.
Other names: c.911C>T, p.Thr304Ile (NM_001281768.2); short protein forms T304I, T529I.
Identifiers: ClinVar variation 4775330 (VCV004775330.1).